The following is an entry in ClinVar:

ClinVar aggregate classification (germline): Likely benign. Review status: criteria provided, multiple submitters, no conflicts (2 of 4 stars). 4 submissions from 4 submitters: Likely benign (3). 1 of the submissions does not count toward it. Last evaluated 2025-12-14.

Conditions:
Usher syndrome type 1 (USH1). Also called: RETINITIS PIGMENTOSA AND CONGENITAL DEAFNESS. Identifiers: Orphanet 231169, Orphanet 886, MedGen C1568247, MONDO:0010168, OMIM 276900.

Allele frequency attached by ClinVar (database versions not stated): gnomAD 0.00003 and 0.00005; ExAC 0.00006; TOPMed 0.00006; gnomAD exomes 0.00007.
gnomAD v4.1: 51 of 1,613,956 alleles (0.0032%); highest among the groups gnomAD compares: South Asian, 0.043%; no homozygotes.

Submissions (4):

Labcorp Genetics (formerly Invitae), Labcorp
Classification: Likely benign. Last evaluated: 2025-12-14. Review status: criteria provided, single submitter. Criteria: Invitae Variant Classification Sherloc (09022015). Collection method: clinical testing. Allele origin: germline.

Blueprint Genetics
Classification: Likely benign. Last evaluated: 2023-12-14. Review status: criteria provided, single submitter. Criteria: ACMG Guidelines, 2015. Collection method: clinical testing. Allele origin: germline.

CeGaT Center for Human Genetics Tuebingen
Classification: Likely benign. Last evaluated: 2023-03-01. Review status: criteria provided, single submitter. Criteria: CeGaT Center For Human Genetics Tuebingen Variant Classification Criteria Version 2. Collection method: clinical testing. Allele origin: germline. Affected: yes. Observed: 1 variant allele.
Comment: CDH23: BP4, BP7

Natera, Inc.
Classification: Likely benign for Usher syndrome type 1. Last evaluated: 2021-04-28. Review status: no assertion criteria provided. Collection method: clinical testing. Allele origin: germline. Not counted in ClinVar's aggregate classification.

NM_022124.6(CDH23):c.5610C>T (p.Val1870=)

Gene: CDH23 (cadherin related 23; plus strand). Cytogenetic location: 10q22.1.
Variant type: single nucleotide variant.
Coding change: c.5610C>T on transcript NM_022124.6 (MANE Select); coding-DNA position 5610, C replaced by T.
Protein change: p.Val1870=; no amino-acid change (valine 1870 retained).
Molecular consequence: synonymous variant.
Genome position (GRCh38, 1-based): chr10:71,784,998, C>T. VCF-style: chr10-71784998-C-T. GRCh37 (hg19) VCF-style: chr10-73544755-C-T.
Identifiers: ClinVar variation 793313 (VCV000793313.36), dbSNP rs568993739, ClinGen allele CA5545814.
Genomic context (GRCh38, chr10:71,784,998, plus strand): 5'-GCTGCTGAACCTGCCCATGAACATCACCATCAGCGAGAACAGCCCTGTCTCCAGCTTTGT[C>T]GCCCATGTCCTGGCCAGTGACGCTGACAGTGGCTGCAATGCACGCCTCACCTTCAACATC-3'
Protein context (NP_071407.4, residues 1860-1880): ISENSPVSSF[Val1870=]AHVLASDADS